The following is an entry in ClinVar:

ClinVar aggregate classification (germline): Likely benign. Review status: criteria provided, single submitter (1 of 4 stars). 2 submissions from 2 submitters: Likely benign (1). 1 of the submissions does not count toward it.

Allele frequency attached by ClinVar (database versions not stated): 1000 Genomes Project 30x 0.00156; 1000 Genomes Project 0.00160; ExAC 0.00174; gnomAD exomes 0.00178 and 0.00194; gnomAD 0.00243 and 0.00250; ESP Exome Variant Server 0.00286.
gnomAD v4.1: 3,180 of 1,592,538 alleles (0.2%); highest among the groups gnomAD compares: African/African-American, 0.45%; 215 homozygotes.

Submissions (2):

Breakthrough Genomics
Classification: Likely benign. Review status: criteria provided, single submitter. Criteria: ACMG Guidelines, 2015. Collection method: not provided. Allele origin: germline. Inheritance: Unknown mechanism. Affected: yes.

Department of Pathology and Laboratory Medicine, Sinai Health System
Classification: Likely benign. Review status: no assertion criteria provided. Collection method: clinical testing. Allele origin: unknown. Affected: yes. Study: The Canadian Open Genetics Repository (COGR). Not counted in ClinVar's aggregate classification.
Comment: The APOBEC3B p.Arg45Cys variant was not identified in the literature nor was it identified in ClinVar or Cosmic. The variant was identified in dbSNP (ID: rs143126732) and in control databases in 524 of 274044 chromosomes (34 homozygous) at a frequency of 0.001912 increasing the likelihood this could be a low frequency benign variant (Genome Aggregation Database Feb 27, 2017). The variant was observed in the following populations: African in 141 of 24676 chromosomes (freq: 0.005714), Ashkenazi Jewish in 50 of 10272 chromosomes (freq: 0.004868), European (non-Finnish) in 232 of 127740 chromosomes (freq: 0.001816), Latino in 47 of 32462 chromosomes (freq: 0.001448), South Asian in 41 of 29784 chromosomes (freq: 0.001377), Other in 8 of 7072 chromosomes (freq: 0.001131), East Asian in 4 of 17200 chromosomes (freq: 0.000233) and European (Finnish) in 1 of 24838 chromosomes (freq: 0.00004). The variant occurs outside of the splicing consensus sequence and in silico or computational prediction software programs (SpliceSiteFinder, MaxEntScan, NNSPLICE, GeneSplicer) do not predict a difference in splicing. The p.Arg45 residue is not conserved in mammals or other organisms and four out of five computational analyses (PolyPhen-2, SIFT, AlignGVGD, MutationTaster) do not suggest a high likelihood of impact to the protein; however, this information is not predictive enough to rule out pathogenicity. In summary, based on the above information the clinical significance of this variant cannot be determined with certainty at this time although we would lean towards a more benign role for this variant. This variant is classified as likely benign.

NM_004900.5(APOBEC3B):c.133C>T (p.Arg45Cys)

Gene: APOBEC3B (apolipoprotein B mRNA editing enzyme catalytic subunit 3B; plus strand). Cytogenetic location: 22q13.1.
Variant type: single nucleotide variant.
Coding change: c.133C>T on transcript NM_004900.5 (MANE Select); coding-DNA position 133, C replaced by T.
Protein change: p.Arg45Cys; replaces arginine 45 with cysteine.
Molecular consequence: missense variant.
Genome position (GRCh38, 1-based): chr22:38,984,190, C>T. VCF-style: chr22-38984190-C-T. GRCh37 (hg19) VCF-style: chr22-39380195-C-T.
Other names: c.133C>T, p.Arg45Cys (NM_001270411.2); short protein forms R45C.
Identifiers: ClinVar variation 1049516 (VCV001049516.2), dbSNP rs143126732, ClinGen allele CA10237289.
Genomic context (GRCh38, chr22:38,984,190, plus strand): 5'-CCCATCCTCTATGGTCGGAGCTACACTTGGCTGTGCTATGAAGTGAAAATAAAGAGGGGC[C>T]GCTCAAATCTCCTTTGGGACACAGGGGTCTTTCGAGGCCAGGTACCACCCAAACTTCAAT-3'
Protein context (NP_004891.5, residues 35-55): LCYEVKIKRG[Arg45Cys]SNLLWDTGVF